The following is an entry in ClinVar:

NM_005219.5(DIAPH1):c.239C>T (p.Thr80Ile)

Gene: DIAPH1 (diaphanous related formin 1; minus strand). Cytogenetic location: 5q31.3.
Variant type: single nucleotide variant.
Coding change: c.239C>T on transcript NM_005219.5 (MANE Select); coding-DNA position 239, C replaced by T.
Protein change: p.Thr80Ile; replaces threonine 80 with isoleucine.
Molecular consequence: missense variant.
Genome position (GRCh38, 1-based): chr5:141,587,103, G>A on the plus strand (C>T on the coding strand, the complement: DIAPH1 is on the minus strand). VCF-style: chr5-141587103-G-A. GRCh37 (hg19) VCF-style: chr5-140966670-G-A.
Other names: c.212C>T, p.Thr71Ile (NM_001079812.3); c.239C>T, p.Thr80Ile (NM_001314007.2); short protein forms T80I, T71I.
Identifiers: ClinVar variation 1349274 (VCV001349274.8), dbSNP rs777368467, ClinGen allele CA3479658.
Genomic context (GRCh38, chr5:141,587,103, plus strand): 5'-AGCATCTGTTCAAAGAGAACCAGCACTTGTTCATCTGAAACATCTTGCAATGACTGTGCT[G>A]TGGGATCATCCCCATATGATGCAGAAGAATTTCTATGAGCAGAATTGGGCTTTTCCTTCT-3'
Protein context (NP_005210.3, residues 70-90): NSSASYGDDP[Thr80Ile]AQSLQDVSDE

ClinVar aggregate classification (germline): Uncertain significance (1 of 4 stars; one submission).

Conditions:
Progressive microcephaly-seizures-cortical blindness-developmental delay syndrome. Also called: Seizures, cortical blindness, and microcephaly syndrome. Identifiers: Orphanet 477814, MedGen C5567650, MONDO:0014714, OMIM 616632.
Autosomal dominant nonsyndromic hearing loss 1. Also called: DEAFNESS, AUTOSOMAL DOMINANT 1, WITH OR WITHOUT THROMBOCYTOPENIA; KONIGSMARK SYNDROME. Identifiers: Orphanet 90635, MedGen C1852282, MONDO:0007424, OMIM 124900.

Allele frequency attached by ClinVar (database versions not stated): gnomAD exomes 0.00001 and 0.00002; ExAC 0.00002; gnomAD 0.00002; TOPMed 0.00002.
gnomAD v4.1: 13 of 1,614,046 alleles (0.00081%); highest among the groups gnomAD compares: African/African-American, 0.0027%; no homozygotes.

Submission:

Labcorp Genetics (formerly Invitae), Labcorp
Classification: Uncertain significance for Progressive microcephaly-seizures-cortical blindness-developmental delay syndrome; Autosomal dominant nonsyndromic hearing loss 1. Last evaluated: 2025-08-29. Review status: criteria provided, single submitter. Criteria: Invitae Variant Classification Sherloc (09022015). Collection method: clinical testing. Allele origin: germline.
Comment: This sequence change replaces threonine, which is neutral and polar, with isoleucine, which is neutral and non-polar, at codon 80 of the DIAPH1 protein (p.Thr80Ile). This variant is present in population databases (rs777368467, gnomAD 0.01%). This variant has not been reported in the literature in individuals affected with DIAPH1-related conditions. ClinVar contains an entry for this variant (Variation ID: 1349274). Experimental studies and prediction algorithms are not available or were not evaluated, and the functional significance of this variant is currently unknown. In summary, the available evidence is currently insufficient to determine the role of this variant in disease. Therefore, it has been classified as a Variant of Uncertain Significance.